The following is an entry in ClinVar:

NM_000942.5(PPIB):c.23A>G (p.Asn8Ser)

Gene: PPIB (peptidylprolyl isomerase B; minus strand). Cytogenetic location: 15q22.31.
Variant type: single nucleotide variant.
Coding change: c.23A>G on transcript NM_000942.5 (MANE Select); coding-DNA position 23, A replaced by G.
Protein change: p.Asn8Ser; replaces asparagine 8 with serine.
Molecular consequence: missense variant.
Genome position (GRCh38, 1-based): chr15:64,162,964, T>C on the plus strand (A>G on the coding strand, the complement: PPIB is on the minus strand). VCF-style: chr15-64162964-T-C. GRCh37 (hg19) VCF-style: chr15-64455163-T-C.
Other names: short protein forms N8S.
Identifiers: ClinVar variation 2093629 (VCV002093629.4), dbSNP rs2081571199, ClinGen allele CA392819977.

ClinVar aggregate classification (germline): Uncertain significance (1 of 4 stars; one submission).

Allele frequency attached by ClinVar (database versions not stated): TOPMed below 0.00001.
gnomAD v4.1: 1 of 1,613,412 alleles (0.000062%); highest among the groups gnomAD compares: Non-Finnish European, 0.000085%; no homozygotes.

Submission:

Labcorp Genetics (formerly Invitae), Labcorp
Classification: Uncertain significance. Last evaluated: 2022-04-19. Review status: criteria provided, single submitter. Criteria: Invitae Variant Classification Sherloc (09022015). Collection method: clinical testing. Allele origin: germline.
Comment: This sequence change replaces asparagine, which is neutral and polar, with serine, which is neutral and polar, at codon 8 of the PPIB protein (p.Asn8Ser). This variant is not present in population databases (gnomAD no frequency). This variant has not been reported in the literature in individuals affected with PPIB-related conditions. Algorithms developed to predict the effect of missense changes on protein structure and function (SIFT, PolyPhen-2, Align-GVGD) all suggest that this variant is likely to be tolerated. Algorithms developed to predict the effect of sequence changes on RNA splicing suggest that this variant may create or strengthen a splice site. In summary, the available evidence is currently insufficient to determine the role of this variant in disease. Therefore, it has been classified as a Variant of Uncertain Significance.